The following is an entry in ClinVar:

ClinVar aggregate classification (germline): Likely benign. Review status: criteria provided, single submitter (1 of 4 stars). 2 submissions from 2 submitters: Likely benign (1). 1 of the submissions does not count toward it. Last evaluated 2024-02-22.

Conditions:
HPS4-related disorder. Also called: HPS4-related condition.

Allele frequency attached by ClinVar (database versions not stated): gnomAD 0.00001; TOPMed 0.00001.
gnomAD v4.1: 33 of 1,614,124 alleles (0.002%); highest among the groups gnomAD compares: Non-Finnish European, 0.0026%; no homozygotes.

Submissions (2):

Labcorp Genetics (formerly Invitae), Labcorp
Classification: Likely benign. Last evaluated: 2024-02-22. Review status: criteria provided, single submitter. Criteria: Invitae Variant Classification Sherloc (09022015). Collection method: clinical testing. Allele origin: germline.

PreventionGenetics, part of Exact Sciences
Classification: Likely benign for HPS4-related condition. Last evaluated: 2019-04-30. Review status: no assertion criteria provided. Collection method: clinical testing. Allele origin: germline. Not counted in ClinVar's aggregate classification.
Comment: This variant is classified as likely benign based on ACMG/AMP sequence variant interpretation guidelines (Richards et al. 2015 PMID: 25741868, with internal and published modifications).

NM_022081.6(HPS4):c.306T>C (p.Asp102=)

Gene: HPS4 (HPS4 biogenesis of lysosomal organelles complex 3 subunit 2; minus strand). Cytogenetic location: 22q12.1.
Variant type: single nucleotide variant.
Coding change: c.306T>C on transcript NM_022081.6 (MANE Select); coding-DNA position 306, T replaced by C.
Protein change: p.Asp102=; no amino-acid change (aspartic acid 102 retained).
Molecular consequence: synonymous variant. On other transcripts: non-coding transcript variant (8).
Genome position (GRCh38, 1-based): chr22:26,472,910, A>G on the plus strand (T>C on the coding strand, the complement: HPS4 is on the minus strand). VCF-style: chr22-26472910-A-G. GRCh37 (hg19) VCF-style: chr22-26868876-A-G.
Other names: c.306T>C, p.Asp102= (NM_001349896.1, NM_001349898.2, NM_001349899.2 and 7 more transcripts); c.291T>C, p.Asp97= (NM_152841.2).
Identifiers: ClinVar variation 2903769 (VCV002903769.4), dbSNP rs953730702, ClinGen allele CA322854124.